The following is an entry in ClinVar:

ClinVar aggregate classification (germline): Uncertain significance (1 of 4 stars; one submission).

Allele frequency attached by ClinVar (database versions not stated): gnomAD 0.00001; TOPMed 0.00003.
gnomAD v4.1: 2 of 1,294,522 alleles (0.00015%); highest among the groups gnomAD compares: African/African-American, 0.0031%; no homozygotes.

Submission:

Labcorp Genetics (formerly Invitae), Labcorp
Classification: Uncertain significance. Last evaluated: 2023-06-10. Review status: criteria provided, single submitter. Criteria: Invitae Variant Classification Sherloc (09022015). Collection method: clinical testing. Allele origin: germline.
Comment: In summary, the available evidence is currently insufficient to determine the role of this variant in disease. Therefore, it has been classified as a Variant of Uncertain Significance. This sequence change replaces glycine, which is neutral and non-polar, with arginine, which is basic and polar, at codon 35 of the DEAF1 protein (p.Gly35Arg). This variant is not present in population databases (gnomAD no frequency). This variant has not been reported in the literature in individuals affected with DEAF1-related conditions. ClinVar contains an entry for this variant (Variation ID: 1985355). Advanced modeling of protein sequence and biophysical properties (such as structural, functional, and spatial information, amino acid conservation, physicochemical variation, residue mobility, and thermodynamic stability) performed at Invitae indicates that this missense variant is not expected to disrupt DEAF1 protein function.

NM_021008.4(DEAF1):c.103G>C (p.Gly35Arg)

Gene: DEAF1 (DEAF1 transcription factor; minus strand). Cytogenetic location: 11p15.5.
Variant type: single nucleotide variant.
Coding change: c.103G>C on transcript NM_021008.4 (MANE Select); coding-DNA position 103, G replaced by C.
Protein change: p.Gly35Arg; replaces glycine 35 with arginine.
Molecular consequence: missense variant. On other transcripts: intron variant (1).
Genome position (GRCh38, 1-based): chr11:694,945, C>G on the plus strand (G>C on the coding strand, the complement: DEAF1 is on the minus strand). VCF-style: chr11-694945-C-G. GRCh37 (hg19) VCF-style: chr11-694945-C-G.
Other names: c.103G>C, p.Gly35Arg (NM_001293634.2); c.-437-3347G>C (NM_001367390.1); short protein forms G35R.
Identifiers: ClinVar variation 1985355 (VCV001985355.4), dbSNP rs904775713, ClinGen allele CA216910860.